The following is an entry in ClinVar:

ClinVar aggregate classification (germline): Uncertain significance (1 of 4 stars; one submission).

Allele frequency attached by ClinVar (database versions not stated): gnomAD exomes below 0.00001.
gnomAD v4.1: 1 of 1,613,622 alleles (0.000062%); highest among the groups gnomAD compares: Non-Finnish European, 0.000085%; no homozygotes.

Submission:

Labcorp Genetics (formerly Invitae), Labcorp
Classification: Uncertain significance. Last evaluated: 2022-08-31. Review status: criteria provided, single submitter. Criteria: Invitae Variant Classification Sherloc (09022015). Collection method: clinical testing. Allele origin: germline.
Comment: This variant is present in population databases (no rsID available, gnomAD 0.0009%). In summary, the available evidence is currently insufficient to determine the role of this variant in disease. Therefore, it has been classified as a Variant of Uncertain Significance. Algorithms developed to predict the effect of missense changes on protein structure and function (SIFT, PolyPhen-2, Align-GVGD) all suggest that this variant is likely to be disruptive. This variant has not been reported in the literature in individuals affected with CLCN6-related conditions. This sequence change replaces arginine, which is basic and polar, with cysteine, which is neutral and slightly polar, at codon 362 of the CLCN6 protein (p.Arg362Cys).

NM_001286.5(CLCN6):c.1084C>T (p.Arg362Cys)

Gene: CLCN6 (chloride voltage-gated channel 6; plus strand). Cytogenetic location: 1p36.22.
Variant type: single nucleotide variant.
Coding change: c.1084C>T on transcript NM_001286.5 (MANE Select); coding-DNA position 1084, C replaced by T.
Protein change: p.Arg362Cys; replaces arginine 362 with cysteine.
Molecular consequence: missense variant. On other transcripts: non-coding transcript variant (1).
Genome position (GRCh38, 1-based): chr1:11,828,587, C>T. VCF-style: chr1-11828587-C-T. GRCh37 (hg19) VCF-style: chr1-11888644-C-T.
Other names: c.1018C>T, p.Arg340Cys (NM_001256959.2); short protein forms R362C, R340C.
Identifiers: ClinVar variation 2093291 (VCV002093291.4), dbSNP rs1406946758, ClinGen allele CA338430636.